The following is an entry in ClinVar:

ClinVar aggregate classification (germline): Conflicting classifications of pathogenicity. Review status: criteria provided, conflicting classifications (1 of 4 stars). 2 submissions from 2 submitters: Pathogenic (1); Uncertain significance (1). Last evaluated 2022-11-11.

Conditions:
Combined oxidative phosphorylation defect type 27. Also called: Combined oxidative phosphorylation deficiency 27. Identifiers: Orphanet 477774, MedGen C5567608, MONDO:0014728, OMIM 616672.
Inborn genetic diseases. Identifiers: MedGen C0950123, MeSH D030342.

Allele frequency attached by ClinVar (database versions not stated): gnomAD exomes below 0.00001; ExAC 0.00001.

Submissions (2):

Ambry Genetics
Classification: Pathogenic for Inborn genetic diseases. Last evaluated: 2022-11-11. Review status: criteria provided, single submitter. Criteria: Ambry Variant Classification Scheme 2023. Collection method: clinical testing. Allele origin: germline.
Comment: The c.1068dupT (p.D357*) alteration, located in exon 11 (coding exon 11) of the CARS2 gene, consists of a duplication of T at position 1068. This changes the amino acid from an aspartic acid (D) to a stop codon at amino acid position 357. This alteration is expected to result in loss of function by premature protein truncation or nonsense-mediated mRNA decay. This allele was reported in one heterozygous individual in population-based cohorts in the Genome Aggregation Database (gnomAD). Based on the available evidence, this alteration is classified as pathogenic.

Labcorp Genetics (formerly Invitae), Labcorp
Classification: Uncertain significance for Combined oxidative phosphorylation defect type 27. Last evaluated: 2022-01-15. Review status: criteria provided, single submitter. Criteria: Invitae Variant Classification Sherloc (09022015). Collection method: clinical testing. Allele origin: germline.
Comment: In summary, the available evidence is currently insufficient to determine the role of this variant in disease. Therefore, it has been classified as a Variant of Uncertain Significance. This variant has not been reported in the literature in individuals affected with CARS2-related conditions. This variant is present in population databases (rs749680674, gnomAD 0.0009%). This sequence change creates a premature translational stop signal (p.Asp357*) in the CARS2 gene. It is expected to result in an absent or disrupted protein product. However, the current clinical and genetic evidence is not sufficient to establish whether loss-of-function variants in CARS2 cause disease.

NM_024537.4(CARS2):c.1068dup (p.Asp357Ter)

Gene: CARS2 (cysteinyl-tRNA synthetase 2, mitochondrial; minus strand). Cytogenetic location: 13q34.
Variant type: Duplication.
Coding change: c.1068dup on transcript NM_024537.4 (MANE Select); coding-DNA position 1068, one base duplicated (T; older notation c.1068dupT).
Protein change: p.Asp357Ter; replaces aspartic acid 357 with a stop codon.
Molecular consequence: nonsense. On other transcripts: non-coding transcript variant (2).
Genome position (GRCh38, 1-based): chr13:110,647,226, A duplicated on the plus strand (T on the coding strand, the reverse complement: CARS2 is on the minus strand). VCF-style (leftmost placement, unchanged base first): chr13-110647225-C-CA. GRCh37 (hg19) VCF-style: chr13-111299572-C-CA.
Other names: c.282dup, p.Asp95Ter (NM_001352252.2); short protein forms D357*, D95*.
Identifiers: ClinVar variation 2083473 (VCV002083473.5), dbSNP rs749680674, ClinGen allele CA7051916.